The following is an entry in ClinVar:

NM_032242.4(PLXNA1):c.1678C>G (p.Leu560Val)

Gene: PLXNA1 (plexin A1; plus strand). Cytogenetic location: 3q21.3.
Variant type: single nucleotide variant.
Coding change: c.1678C>G on transcript NM_032242.4 (MANE Select); coding-DNA position 1678, C replaced by G.
Protein change: p.Leu560Val; replaces leucine 560 with valine.
Molecular consequence: missense variant.
Genome position (GRCh38, 1-based): chr3:127,004,943, C>G. VCF-style: chr3-127004943-C-G. GRCh37 (hg19) VCF-style: chr3-126723786-C-G.
Other names: short protein forms L560V.
Identifiers: ClinVar variation 3346101 (VCV003346101.1).

ClinVar aggregate classification (germline): Uncertain significance (0 of 4 stars; one submission).

Conditions:
PLXNA1-related disorder. Also called: PLXNA1-related condition.

Submission:

PreventionGenetics, part of Exact Sciences
Classification: Uncertain significance for PLXNA1-related condition. Last evaluated: 2024-05-22. Review status: no assertion criteria provided. Collection method: clinical testing. Allele origin: germline.
Comment: The PLXNA1 c.1678C>G variant is predicted to result in the amino acid substitution p.Leu560Val. To our knowledge, this variant has not been reported in the literature. This variant is reported in 0.0055% of alleles in individuals of East Asian descent in gnomAD. At this time, the clinical significance of this variant is uncertain due to the absence of conclusive functional and genetic evidence.